The following is an entry in ClinVar:

NM_144699.4(ATP1A4):c.2539A>T (p.Thr847Ser)

Gene: ATP1A4 (ATPase Na+/K+ transporting subunit alpha 4; plus strand). Cytogenetic location: 1q23.2.
Variant type: single nucleotide variant.
Coding change: c.2539A>T on transcript NM_144699.4 (MANE Select); coding-DNA position 2539, A replaced by T.
Protein change: p.Thr847Ser; replaces threonine 847 with serine.
Molecular consequence: missense variant.
Genome position (GRCh38, 1-based): chr1:160,176,551, A>T. VCF-style: chr1-160176551-A-T. GRCh37 (hg19) VCF-style: chr1-160146341-A-T.
Other names: short protein forms T847S.
Identifiers: ClinVar variation 2688640 (VCV002688640.3), dbSNP rs145873902, ClinGen allele CA1195828.

ClinVar aggregate classification (germline): Uncertain significance (1 of 4 stars; one submission).

Allele frequency attached by ClinVar (database versions not stated): gnomAD 0.00016; ExAC 0.00018; TOPMed 0.00018; gnomAD exomes 0.00022; ESP Exome Variant Server 0.00023.
gnomAD v4.1: 351 of 1,613,916 alleles (0.022%); highest among the groups gnomAD compares: Non-Finnish European, 0.027%; no homozygotes.

Submission:

Revvity Omics, Revvity
Classification: Uncertain significance. Last evaluated: 2021-09-01. Review status: criteria provided, single submitter. Criteria: ACMG Guidelines, 2015. Collection method: clinical testing. Allele origin: germline.